The following is an entry in ClinVar:

NM_002907.4(RECQL):c.28G>A (p.Glu10Lys)

Gene: RECQL (RecQ like helicase; minus strand). Cytogenetic location: 12p12.1.
Variant type: single nucleotide variant.
Coding change: c.28G>A on transcript NM_002907.4 (MANE Select); coding-DNA position 28, G replaced by A.
Protein change: p.Glu10Lys; replaces glutamic acid 10 with lysine.
Molecular consequence: missense variant.
Genome position (GRCh38, 1-based): chr12:21,491,705, C>T on the plus strand (G>A on the coding strand, the complement: RECQL is on the minus strand). VCF-style: chr12-21491705-C-T. GRCh37 (hg19) VCF-style: chr12-21644639-C-T.
Other names: c.28G>A, p.Glu10Lys (NM_032941.3); short protein forms E10K.
Identifiers: ClinVar variation 3787918 (VCV003787918.1).
Genomic context (GRCh38, chr12:21,491,705, plus strand): 5'-CCGTAAGTTCTTGAATTTGAATTTCTACTGCATGTAGCTCACTGGTTATAGAATCCAGTT[C>T]CTCAGTTAGAGCTATGGGAGGCAGCGCGGATACAATGATTAGACAGAGTAAATTACAACT-3'
Protein context (NP_002898.2, residues 1-20): MASVSALTE[Glu10Lys]LDSITSELHA

ClinVar aggregate classification (germline): Uncertain significance (1 of 4 stars; one submission).

gnomAD v4.1: 2 of 1,611,562 alleles (0.00012%); highest among the groups gnomAD compares: South Asian, 0.0011%; no homozygotes.

Submission:

Ambry Genetics
Classification: Uncertain significance. Last evaluated: 2025-02-12. Review status: criteria provided, single submitter. Criteria: Ambry Variant Classification Scheme 2023. Collection method: clinical testing. Allele origin: germline.
Comment: The p.E10K variant (also known as c.28G>A), located in coding exon 2 of the RECQL gene, results from a G to A substitution at nucleotide position 28. The glutamic acid at codon 10 is replaced by lysine, an amino acid with similar properties. This amino acid position is conserved. In addition, the in silico prediction for this alteration is inconclusive. Based on the available evidence, the clinical significance of this variant remains unclear.